The following is an entry in ClinVar:

NM_005535.3(IL12RB1):c.1346C>T (p.Pro449Leu)

Gene: IL12RB1 (interleukin 12 receptor subunit beta 1; minus strand). Cytogenetic location: 19p13.11.
Variant type: single nucleotide variant.
Coding change: c.1346C>T on transcript NM_005535.3 (MANE Select); coding-DNA position 1346, C replaced by T.
Protein change: p.Pro449Leu; replaces proline 449 with leucine.
Molecular consequence: missense variant.
Genome position (GRCh38, 1-based): chr19:18,066,679, G>A on the plus strand (C>T on the coding strand, the complement: IL12RB1 is on the minus strand). VCF-style: chr19-18066679-G-A. GRCh37 (hg19) VCF-style: chr19-18177489-G-A.
Other names: c.1346C>T, p.Pro449Leu (NM_001290023.2); c.1466C>T, p.Pro489Leu (NM_001290024.2); short protein forms P449L, P489L.
Identifiers: ClinVar variation 1493350 (VCV001493350.6), dbSNP rs374424762, ClinGen allele CA9304858.
Genomic context (GRCh38, chr19:18,066,679, plus strand): 5'-GATGGTGCCCAGTCCACAGACACAGAGTCCAAGCTATGATTCTTCACCGAGACGTGGTGC[G>A]GTGTCCCAGCTGCTGAGGCTGCAACCAGTACCATTGTCATAGTCAACACCAAGAATGCTG-3'
Protein context (NP_005526.1, residues 439-459): FGGNASAAGT[Pro449Leu]HHVSVKNHSL

ClinVar aggregate classification (germline): Uncertain significance. Review status: criteria provided, multiple submitters, no conflicts (2 of 4 stars). 2 submissions from 2 submitters: Uncertain significance (2). Last evaluated 2025-06-18.

Conditions:
Inborn genetic diseases. Identifiers: MedGen C0950123, MeSH D030342.
Mendelian susceptibility to mycobacterial diseases due to complete IL12RB1 deficiency. Also called: IL12RB1 DEFICIENCY; Immunodeficiency 30. Identifiers: Orphanet 319552, MedGen C4013949, MONDO:0013955, OMIM 614891.

Allele frequency attached by ClinVar (database versions not stated): gnomAD 0.00001 and 0.00002; ExAC 0.00002; TOPMed 0.00005; ESP Exome Variant Server 0.00016.
gnomAD v4.1: 48 of 1,608,938 alleles (0.003%); highest among the groups gnomAD compares: Non-Finnish European, 0.0036%; no homozygotes.

Submissions (2):

Ambry Genetics
Classification: Uncertain significance for Inborn genetic diseases. Last evaluated: 2025-06-18. Review status: criteria provided, single submitter. Criteria: Ambry Variant Classification Scheme 2023. Collection method: clinical testing. Allele origin: germline.

Labcorp Genetics (formerly Invitae), Labcorp
Classification: Uncertain significance for Mendelian susceptibility to mycobacterial diseases due to complete IL12RB1 deficiency. Last evaluated: 2022-03-14. Review status: criteria provided, single submitter. Criteria: Invitae Variant Classification Sherloc (09022015). Collection method: clinical testing. Allele origin: germline.
Comment: This sequence change replaces proline, which is neutral and non-polar, with leucine, which is neutral and non-polar, at codon 449 of the IL12RB1 protein (p.Pro449Leu). This variant is present in population databases (rs374424762, gnomAD 0.007%). This variant has not been reported in the literature in individuals affected with IL12RB1-related conditions. Algorithms developed to predict the effect of missense changes on protein structure and function (SIFT, PolyPhen-2, Align-GVGD) all suggest that this variant is likely to be disruptive. In summary, the available evidence is currently insufficient to determine the role of this variant in disease. Therefore, it has been classified as a Variant of Uncertain Significance.